The following is an entry in ClinVar:

NM_018100.4(EFHC1):c.1863G>A (p.Met621Ile)

Gene: EFHC1 (EF-hand domain containing 1; plus strand). Cytogenetic location: 6p12.2.
Variant type: single nucleotide variant.
Coding change: c.1863G>A on transcript NM_018100.4 (MANE Select); coding-DNA position 1863, G replaced by A.
Protein change: p.Met621Ile; replaces methionine 621 with isoleucine.
Molecular consequence: missense variant. On other transcripts: non-coding transcript variant (1).
Genome position (GRCh38, 1-based): chr6:52,492,281, G>A. VCF-style: chr6-52492281-G-A. GRCh37 (hg19) VCF-style: chr6-52357079-G-A.
Other names: c.1806G>A, p.Met602Ile (NM_001172420.2); c.1863G>A (NM_018100.3); short protein forms M602I, M621I.
Identifiers: ClinVar variation 1057466 (VCV001057466.49), dbSNP rs2114039449, ClinGen allele CA364459057.
Genomic context (GRCh38, chr6:52,492,281, plus strand): 5'-CGGAAGCCCTGCAGATCTGTCTCACCTATTCTCTTTGCTCTCTCTGCAGTTAATCAGGAT[G>A]TGCTCTCATGGAGAAGGCAAAATTAACTACTATAACTTTGTTCGTGCTTTCTCAAACTGA-3'
Protein context (NP_060570.2, residues 611-631): DDSLVKELIR[Met621Ile]CSHGEGKINY

ClinVar aggregate classification (germline): Uncertain significance. Review status: criteria provided, multiple submitters, no conflicts (2 of 4 stars). 2 submissions from 2 submitters: Uncertain significance (2). Last evaluated 2025-08-10.

Conditions:
Myoclonic epilepsy, juvenile, susceptibility to, 1. Also called: Myoclonic Epilepsy, Juvenile, 1; EJM1. Identifiers: MedGen C1850778, MONDO:0020752, OMIM 254770.
Absence seizure. Also called: Absence epilepsy. Identifiers: Orphanet 1941, MedGen C0014553.

Allele frequency attached by ClinVar (database versions not stated): gnomAD exomes below 0.00001.
gnomAD v4.1: 1 of 1,613,970 alleles (0.000062%); highest among the groups gnomAD compares: Non-Finnish European, 0.000085%; no homozygotes.

Submissions (2):

Ambry Genetics
Classification: Uncertain significance. Last evaluated: 2025-08-10. Review status: criteria provided, single submitter. Criteria: Ambry Variant Classification Scheme 2023. Collection method: clinical testing. Allele origin: germline.

Labcorp Genetics (formerly Invitae), Labcorp
Classification: Uncertain significance for Myoclonic epilepsy, juvenile, susceptibility to, 1; Absence seizure. Last evaluated: 2020-04-27. Review status: criteria provided, single submitter. Criteria: Invitae Variant Classification Sherloc (09022015). Collection method: clinical testing. Allele origin: germline.
Comment: This sequence change replaces methionine with isoleucine at codon 621 of the EFHC1 protein (p.Met621Ile). The methionine residue is weakly conserved and there is a small physicochemical difference between methionine and isoleucine. This variant is not present in population databases (ExAC no frequency). In summary, the available evidence is currently insufficient to determine the role of this variant in disease. Therefore, it has been classified as a Variant of Uncertain Significance. Algorithms developed to predict the effect of missense changes on protein structure and function output the following: SIFT: "Tolerated"; PolyPhen-2: "Benign"; Align-GVGD: "Class C0". The isoleucine amino acid residue is found in multiple mammalian species, suggesting that this missense change does not adversely affect protein function. These predictions have not been confirmed by published functional studies and their clinical significance is uncertain. This variant has not been reported in the literature in individuals with EFHC1-related conditions.